The following is an entry in ClinVar:

NM_138459.5(NUS1):c.551G>C (p.Cys184Ser)

Gene: NUS1 (NUS1 dehydrodolichyl diphosphate synthase subunit; plus strand). Cytogenetic location: 6q22.1.
Variant type: single nucleotide variant.
Coding change: c.551G>C on transcript NM_138459.5 (MANE Select); coding-DNA position 551, G replaced by C.
Protein change: p.Cys184Ser; replaces cysteine 184 with serine.
Molecular consequence: missense variant.
Genome position (GRCh38, 1-based): chr6:117,694,040, G>C. VCF-style: chr6-117694040-G-C. GRCh37 (hg19) VCF-style: chr6-118015203-G-C.
Other names: short protein forms C184S.
Identifiers: ClinVar variation 3347292 (VCV003347292.2).

ClinVar aggregate classification (germline): Uncertain significance. Review status: criteria provided, single submitter (1 of 4 stars). 2 submissions from 2 submitters: Uncertain significance (1). 1 of the submissions does not count toward it. Last evaluated 2025-09-03.

Conditions:
Congenital disorder of glycosylation, type Iaa. Also called: Congenital disorder of glycosylation, type 1aa. Identifiers: MedGen C4310727, MONDO:0014904, OMIM 617082.
NUS1-related disorder. Also called: NUS1-Related Disorders; NUS1-related condition. Identifiers: MedGen CN382504, MONDO:1060287.

gnomAD v4.1: 5 of 1,601,440 alleles (0.00031%); highest among the groups gnomAD compares: African/African-American, 0.0067%; no homozygotes.

Submissions (2):

Labcorp Genetics (formerly Invitae), Labcorp
Classification: Uncertain significance for Congenital disorder of glycosylation, type Iaa. Last evaluated: 2025-09-03. Review status: criteria provided, single submitter. Criteria: Invitae Variant Classification Sherloc (09022015). Collection method: clinical testing. Allele origin: germline.
Comment: This sequence change replaces cysteine, which is neutral and slightly polar, with serine, which is neutral and polar, at codon 184 of the NUS1 protein (p.Cys184Ser). This variant is not present in population databases (gnomAD no frequency). This variant has not been reported in the literature in individuals affected with NUS1-related conditions. ClinVar contains an entry for this variant (Variation ID: 3347292). An algorithm developed to predict the effect of missense changes on protein structure and function outputs the following: PolyPhen-2: "Benign". The serine amino acid residue is found in multiple mammalian species, which suggests that this missense change does not adversely affect protein function. In summary, the available evidence is currently insufficient to determine the role of this variant in disease. Therefore, it has been classified as a Variant of Uncertain Significance.

PreventionGenetics, part of Exact Sciences
Classification: Uncertain significance for NUS1-related condition. Last evaluated: 2024-06-08. Review status: no assertion criteria provided. Collection method: clinical testing. Allele origin: germline. Not counted in ClinVar's aggregate classification.
Comment: The NUS1 c.551G>C variant is predicted to result in the amino acid substitution p.Cys184Ser. To our knowledge, this variant has not been reported in the literature or in a large population database, indicating this variant is rare. At this time, the clinical significance of this variant is uncertain due to the absence of conclusive functional and genetic evidence.